The following is an entry in ClinVar:

ClinVar aggregate classification (germline): Uncertain significance (1 of 4 stars; one submission).

Conditions:
Inborn genetic diseases. Identifiers: MedGen C0950123, MeSH D030342.

Submission:

Ambry Genetics
Classification: Uncertain significance for Inborn genetic diseases. Last evaluated: 2025-05-25. Review status: criteria provided, single submitter. Criteria: Ambry Variant Classification Scheme 2023. Collection method: clinical testing. Allele origin: germline.
Comment: The p.L721F variant (also known as c.2161C>T), located in coding exon 24 of the FANCA gene, results from a C to T substitution at nucleotide position 2161. The leucine at codon 721 is replaced by phenylalanine, an amino acid with highly similar properties. This amino acid position is conserved. In addition, the in silico prediction for this alteration is inconclusive. Based on the available evidence, the clinical significance of this variant remains unclear.

NM_000135.4(FANCA):c.2161C>T (p.Leu721Phe)

Gene: FANCA (FA complementation group A; minus strand). Cytogenetic location: 16q24.3.
Variant type: single nucleotide variant.
Coding change: c.2161C>T on transcript NM_000135.4 (MANE Select); coding-DNA position 2161, C replaced by T.
Protein change: p.Leu721Phe; replaces leucine 721 with phenylalanine.
Molecular consequence: missense variant.
Genome position (GRCh38, 1-based): chr16:89,770,625, G>A on the plus strand (C>T on the coding strand, the complement: FANCA is on the minus strand). VCF-style: chr16-89770625-G-A. GRCh37 (hg19) VCF-style: chr16-89837033-G-A.
Other names: c.2161C>T, p.Leu721Phe (NM_001286167.3); short protein forms L721F.
Identifiers: ClinVar variation 4022314 (VCV004022314.1).
Genomic context (GRCh38, chr16:89,770,625, plus strand): 5'-TCTCCGGGGGAGCGACACTGGAGGCAGCCATCAGGTTCTGACAGAAAGACGTCAGCAGGA[G>A]GTCCACAGCCTGCAGAGACACAGTTCTCATGAGCGTGGTGTCCTGGGGACGGGAGCAGCA-3'
Protein context (NP_000126.2, residues 711-731): LEPREHMAVD[Leu721Phe]LLTSFCQNLM